The following is an entry in ClinVar:

ClinVar aggregate classification (germline): Uncertain significance (1 of 4 stars; one submission).

Conditions:
Angelman syndrome-like. Identifiers: MedGen CN128785.
Developmental and epileptic encephalopathy, 2 (DEE2). Also called: INFANTILE SPASM SYNDROME, X-LINKED 2; CDKL5 deficiency disorder. Identifiers: Orphanet 1934, Orphanet 3451, Orphanet 505652, MedGen C4750718, MONDO:0010396, OMIM 300672.

Submission:

Labcorp Genetics (formerly Invitae), Labcorp
Classification: Uncertain significance for Developmental and epileptic encephalopathy, 2; Angelman syndrome-like. Last evaluated: 2021-08-06. Review status: criteria provided, single submitter. Criteria: Invitae Variant Classification Sherloc (09022015). Collection method: clinical testing. Allele origin: germline.
Comment: This variant results in a copy number gain of the genomic region encompassing the full coding sequence of the CDKL5 gene. The boundaries of this event are unknown as they extend beyond the assayed region for this gene and therefore may encompass additional genes. As the precise location of this event is unknown, it may be in tandem or it may be located elsewhere in the genome. Isolated whole-gene copy number gains of CDKL5 have not been reported in the literature. However, larger copy number events that include this gene have been reported (PMID: 17546640, 18076117, 25315662). In summary, the available evidence is currently insufficient to determine the role of this variant in disease. Therefore, it has been classified as a Variant of Uncertain Significance.

Literature cited by the submitters: PubMed 17546640; PubMed 18076117; PubMed 25315662.

NC_000023.10:g.(?_18442725)_(18672749_?)dup

Genes: CDKL5 (cyclin dependent kinase like 5; plus strand), RS1 (retinoschisin 1; minus strand). Cytogenetic location: Xp22.13.
Variant type: Duplication.
Identifiers: ClinVar variation 1054292 (VCV001054292.2).